The following is an entry in ClinVar:

ClinVar aggregate classification (germline): Pathogenic. Review status: criteria provided, single submitter (1 of 4 stars). 2 submissions from 2 submitters: Pathogenic (1). 1 of the submissions does not count toward it. Last evaluated 2024-10-05.

Conditions:
SCLT1-related disorder. Also called: SCLT1-related condition.

gnomAD v4.1: 3 of 1,611,948 alleles (0.00019%); highest among the groups gnomAD compares: Admixed American, 0.0017%; no homozygotes.

Submissions (2):

Labcorp Genetics (formerly Invitae), Labcorp
Classification: Pathogenic. Last evaluated: 2024-10-05. Review status: criteria provided, single submitter. Criteria: Invitae Variant Classification Sherloc (09022015). Collection method: clinical testing. Allele origin: germline.
Comment: This sequence change creates a premature translational stop signal (p.Arg615*) in the SCLT1 gene. It is expected to result in an absent or disrupted protein product. Loss-of-function variants in SCLT1 are known to be pathogenic (PMID: 28005958). This variant is present in population databases (rs115634955, gnomAD 0.0009%). This variant has not been reported in the literature in individuals affected with SCLT1-related conditions. Algorithms developed to predict the effect of sequence changes on RNA splicing suggest that this variant may disrupt the consensus splice site. For these reasons, this variant has been classified as Pathogenic.

PreventionGenetics, part of Exact Sciences
Classification: Uncertain significance for SCLT1-related condition. Last evaluated: 2024-07-24. Review status: no assertion criteria provided. Collection method: clinical testing. Allele origin: germline. Not counted in ClinVar's aggregate classification.
Comment: The SCLT1 c.1843C>T variant is predicted to result in premature protein termination (p.Arg615*). To our knowledge, this variant has not been reported in the literature. This variant is reported in 0.0029% of alleles in individuals of Latino descent in gnomAD. Although we suspect that this variant may be pathogenic, at this time, the clinical significance of this variant is uncertain due to the absence of conclusive functional and genetic evidence.

Literature cited by the submitters: PubMed 28005958 (cited by Labcorp Genetics (formerly Invitae), Labcorp).

NM_144643.4(SCLT1):c.1843C>T (p.Arg615Ter)

Gene: SCLT1 (sodium channel and clathrin linker 1; minus strand). Cytogenetic location: 4q28.2.
Variant type: single nucleotide variant.
Coding change: c.1843C>T on transcript NM_144643.4 (MANE Select); coding-DNA position 1843, C replaced by T.
Protein change: p.Arg615Ter; replaces arginine 615 with a stop codon.
Molecular consequence: nonsense.
Genome position (GRCh38, 1-based): chr4:128,891,124, G>A on the plus strand (C>T on the coding strand, the complement: SCLT1 is on the minus strand). VCF-style: chr4-128891124-G-A. GRCh37 (hg19) VCF-style: chr4-129812279-G-A.
Other names: short protein forms R615*.
Identifiers: ClinVar variation 3355747 (VCV003355747.3).
Genomic context (GRCh38, chr4:128,891,124, plus strand): 5'-CTACCTTTTCATTTGCCATTTCCAGCTGAGAAAGCAGCTCTTGGGTATGAAGTTTCTGTC[G>A]ACTCAGCTCACTCCTATTAAGAGCACCAAAAAATCCATTAATATAATTGTTCCAAATAGA-3'